The following is an entry in ClinVar:

NM_000135.4(FANCA):c.856C>G (p.Gln286Glu)

Gene: FANCA (FA complementation group A; minus strand). Cytogenetic location: 16q24.3.
Variant type: single nucleotide variant.
Coding change: c.856C>G on transcript NM_000135.4 (MANE Select); coding-DNA position 856, C replaced by G.
Protein change: p.Gln286Glu; replaces glutamine 286 with glutamic acid.
Molecular consequence: missense variant.
Genome position (GRCh38, 1-based): chr16:89,799,203, G>C on the plus strand (C>G on the coding strand, the complement: FANCA is on the minus strand). VCF-style: chr16-89799203-G-C. GRCh37 (hg19) VCF-style: chr16-89865611-G-C.
Other names: c.856C>G, p.Gln286Glu (NM_001018112.3, NM_001286167.3); c.760C>G, p.Gln254Glu (NM_001351830.2); short protein forms Q286E, Q254E.
Identifiers: ClinVar variation 965977 (VCV000965977.9), dbSNP rs1291524243, ClinGen allele CA397473018.
Genomic context (GRCh38, chr16:89,799,203, plus strand): 5'-GCAGGCCACCCTCAGGAACATACCAGCACCTCACGATCTTGTGAGTGGAGGACTCCTCCT[G>C]TACTCCAGCAGCCAAAGCGTCAAGTGCAACTGAAGACAGAGCCAGGAACAGAAAACAGAT-3'
Protein context (NP_000126.2, residues 276-296): FALDALAAGV[Gln286Glu]EESSTHKIVR

ClinVar aggregate classification (germline): Uncertain significance (1 of 4 stars; one submission).

Conditions:
Fanconi anemia (FA). Also called: Fanconi's anemia. Identifiers: Orphanet 84, MedGen C0015625, MeSH D005199, MONDO:0019391.

Allele frequency attached by ClinVar (database versions not stated): gnomAD exomes below 0.00001; TOPMed 0.00001.
gnomAD v4.1: 4 of 1,614,100 alleles (0.00025%); highest among the groups gnomAD compares: Non-Finnish European, 0.00034%; no homozygotes.

Submission:

Labcorp Genetics (formerly Invitae), Labcorp
Classification: Uncertain significance for Fanconi anemia. Last evaluated: 2024-05-22. Review status: criteria provided, single submitter. Criteria: Invitae Variant Classification Sherloc (09022015). Collection method: clinical testing. Allele origin: germline.
Comment: This sequence change replaces glutamine, which is neutral and polar, with glutamic acid, which is acidic and polar, at codon 286 of the FANCA protein (p.Gln286Glu). This variant is present in population databases (no rsID available, gnomAD 0.0009%). This variant has not been reported in the literature in individuals affected with FANCA-related conditions. ClinVar contains an entry for this variant (Variation ID: 965977). Advanced modeling of protein sequence and biophysical properties (such as structural, functional, and spatial information, amino acid conservation, physicochemical variation, residue mobility, and thermodynamic stability) performed at Invitae indicates that this missense variant is not expected to disrupt FANCA protein function with a negative predictive value of 80%. In summary, the available evidence is currently insufficient to determine the role of this variant in disease. Therefore, it has been classified as a Variant of Uncertain Significance.